The following is an entry in ClinVar:

ClinVar aggregate classification (germline): Uncertain significance (1 of 4 stars; one submission).

gnomAD v4.1: 1 of 1,613,548 alleles (0.000062%); highest among the groups gnomAD compares: Non-Finnish European, 0.000085%; no homozygotes.

Submission:

Labcorp Genetics (formerly Invitae), Labcorp
Classification: Uncertain significance. Last evaluated: 2025-09-03. Review status: criteria provided, single submitter. Criteria: Invitae Variant Classification Sherloc (09022015). Collection method: clinical testing. Allele origin: germline.
Comment: This sequence change replaces proline, which is neutral and non-polar, with leucine, which is neutral and non-polar, at codon 1535 of the RP1 protein (p.Pro1535Leu). This variant is not present in population databases (gnomAD no frequency). This variant has not been reported in the literature in individuals affected with RP1-related conditions. An algorithm developed to predict the effect of missense changes on protein structure and function (PolyPhen-2) suggests that this variant is likely to be tolerated. In summary, the available evidence is currently insufficient to determine the role of this variant in disease. Therefore, it has been classified as a Variant of Uncertain Significance.

NM_006269.2(RP1):c.4604C>T (p.Pro1535Leu)

Gene: RP1 (RP1 axonemal microtubule associated; plus strand). Cytogenetic location: 8q12.1.
Variant type: single nucleotide variant.
Coding change: c.4604C>T on transcript NM_006269.2 (MANE Select); coding-DNA position 4604, C replaced by T.
Protein change: p.Pro1535Leu; replaces proline 1535 with leucine.
Molecular consequence: missense variant. On other transcripts: intron variant (1).
Genome position (GRCh38, 1-based): chr8:54,628,486, C>T. VCF-style: chr8-54628486-C-T. GRCh37 (hg19) VCF-style: chr8-55541046-C-T.
Other names: c.787+6198C>T (NM_001375654.1); short protein forms P1535L.
Identifiers: ClinVar variation 4773567 (VCV004773567.1).